The following is an entry in ClinVar:

ClinVar aggregate classification (germline): Uncertain significance (1 of 4 stars; one submission).

Conditions:
Cardiovascular phenotype. Identifiers: MedGen CN230736.

Submission:

Ambry Genetics
Classification: Uncertain significance for Cardiovascular phenotype. Last evaluated: 2025-12-30. Review status: criteria provided, single submitter. Criteria: Ambry Variant Classification Scheme 2023. Collection method: clinical testing. Allele origin: germline.
Comment: The p.S1552A variant (also known as c.4654T>G), located in coding exon 27 of the FLNC gene, results from a T to G substitution at nucleotide position 4654. The serine at codon 1552 is replaced by alanine, an amino acid with similar properties. This amino acid position is conserved. In addition, this alteration is predicted to be tolerated by in silico analysis. Based on the available evidence, the clinical significance of this variant remains unclear.

NM_001458.5(FLNC):c.4654T>G (p.Ser1552Ala)

Gene: FLNC (filamin C; plus strand). Cytogenetic location: 7q32.1.
Variant type: single nucleotide variant.
Coding change: c.4654T>G on transcript NM_001458.5 (MANE Select); coding-DNA position 4654, T replaced by G.
Protein change: p.Ser1552Ala; replaces serine 1552 with alanine.
Molecular consequence: missense variant.
Genome position (GRCh38, 1-based): chr7:128,848,634, T>G. VCF-style: chr7-128848634-T-G. GRCh37 (hg19) VCF-style: chr7-128488688-T-G.
Other names: c.4654T>G, p.Ser1552Ala (NM_001127487.2); short protein forms S1552A.
Identifiers: ClinVar variation 4842738 (VCV004842738.1).